The following is an entry in ClinVar:

ClinVar aggregate classification (germline): Uncertain significance (1 of 4 stars; one submission).

Submission:

GeneDx
Classification: Uncertain significance. Last evaluated: 2024-04-08. Review status: criteria provided, single submitter. Criteria: GeneDx Variant Classification Process June 2021. Collection method: clinical testing. Allele origin: germline. Affected: yes.
Comment: Not observed at significant frequency in large population cohorts (gnomAD); In silico analysis supports that this missense variant has a deleterious effect on protein structure/function; Has not been previously published as pathogenic or benign to our knowledge

NM_001346249.2(RALGAPA1):c.2056C>T (p.Pro686Ser)

Gene: RALGAPA1 (Ral GTPase activating protein catalytic subunit alpha 1; minus strand). Cytogenetic location: 14q13.2.
Variant type: single nucleotide variant.
Coding change: c.2056C>T on transcript NM_001346249.2 (MANE Select); coding-DNA position 2056, C replaced by T.
Protein change: p.Pro686Ser; replaces proline 686 with serine.
Molecular consequence: missense variant.
Genome position (GRCh38, 1-based): chr14:35,723,075, G>A on the plus strand (C>T on the coding strand, the complement: RALGAPA1 is on the minus strand). VCF-style: chr14-35723075-G-A. GRCh37 (hg19) VCF-style: chr14-36192281-G-A.
Other names: c.2056C>T, p.Pro686Ser (NM_001283043.3, NM_001283044.3, NM_001330075.3 and 7 more transcripts); short protein forms P686S.
Identifiers: ClinVar variation 3372216 (VCV003372216.1).